The following is an entry in ClinVar:

ClinVar aggregate classification (germline): Uncertain significance (1 of 4 stars; one submission).

Conditions:
Autosomal dominant Parkinson disease 8. Also called: LRRK2-Related Parkinson Disease; Parkinson disease 8; Parkinson disease 8, susceptibility to. Identifiers: Orphanet 411602, MedGen C1846862, MONDO:0011764, OMIM 607060.

Allele frequency attached by ClinVar (database versions not stated): ExAC 0.00003; gnomAD exomes 0.00003; 1000 Genomes Project 30x 0.00016; 1000 Genomes Project 0.00020.
gnomAD v4.1: 37 of 1,614,088 alleles (0.0023%); highest among the groups gnomAD compares: East Asian, 0.051%; no homozygotes.

Submission:

Labcorp Genetics (formerly Invitae), Labcorp
Classification: Uncertain significance for Autosomal dominant Parkinson disease 8. Last evaluated: 2024-08-29. Review status: criteria provided, single submitter. Criteria: Invitae Variant Classification Sherloc (09022015). Collection method: clinical testing. Allele origin: germline.
Comment: This sequence change replaces asparagine, which is neutral and polar, with threonine, which is neutral and polar, at codon 2251 of the LRRK2 protein (p.Asn2251Thr). This variant is present in population databases (rs200419481, gnomAD 0.02%). This missense change has been observed in individual(s) with Parkinson disease (PMID: 24565865). ClinVar contains an entry for this variant (Variation ID: 1399273). Invitae Evidence Modeling of protein sequence and biophysical properties (such as structural, functional, and spatial information, amino acid conservation, physicochemical variation, residue mobility, and thermodynamic stability) indicates that this missense variant is not expected to disrupt LRRK2 protein function with a negative predictive value of 80%. In summary, the available evidence is currently insufficient to determine the role of this variant in disease. Therefore, it has been classified as a Variant of Uncertain Significance.

Literature cited by the submitters: PubMed 24565865.

NM_198578.4(LRRK2):c.6752A>C (p.Asn2251Thr)

Gene: LRRK2 (leucine rich repeat kinase 2; plus strand). Cytogenetic location: 12q12.
Variant type: single nucleotide variant.
Coding change: c.6752A>C on transcript NM_198578.4 (MANE Select); coding-DNA position 6752, A replaced by C.
Protein change: p.Asn2251Thr; replaces asparagine 2251 with threonine.
Molecular consequence: missense variant.
Genome position (GRCh38, 1-based): chr12:40,354,474, A>C. VCF-style: chr12-40354474-A-C. GRCh37 (hg19) VCF-style: chr12-40748276-A-C.
Other names: short protein forms N2251T.
Identifiers: ClinVar variation 1399273 (VCV001399273.6), dbSNP rs200419481, ClinGen allele CA6514743.